The following is an entry in ClinVar:

NM_001291867.2(NHS):c.1441G>A (p.Gly481Ser)

Gene: NHS (NHS actin remodeling regulator; plus strand). Cytogenetic location: Xp22.13.
Variant type: single nucleotide variant.
Coding change: c.1441G>A on transcript NM_001291867.2 (MANE Select); coding-DNA position 1441, G replaced by A.
Protein change: p.Gly481Ser; replaces glycine 481 with serine.
Molecular consequence: missense variant.
Genome position (GRCh38, 1-based): chrX:17,725,547, G>A. VCF-style: chrX-17725547-G-A. GRCh37 (hg19) VCF-style: chrX-17743667-G-A.
Other names: c.847G>A, p.Gly283Ser (NM_001291868.2); c.1378G>A, p.Gly460Ser (NM_198270.4); c.910G>A, p.Gly304Ser (NM_001136024.4); short protein forms G481S, G283S, G304S, G460S.
Identifiers: ClinVar variation 2891087 (VCV002891087.4), dbSNP rs769586195, ClinGen allele CA10358619.
Genomic context (GRCh38, chrX:17,725,547, plus strand): 5'-AGAAGGAGAATCAGAGCTCAAAGGGGTCAAAGCATTGCAGCTTCCCTTTCTCATTCTGCT[G>A]GCAACATTTCTGCCCTAGCAGACAAAGGTGACACCATGTTTACTCCTGCAGTGAGCAGCC-3'
Protein context (NP_001278796.1, residues 471-491): SIAASLSHSA[Gly481Ser]NISALADKGD

ClinVar aggregate classification (germline): Uncertain significance (1 of 4 stars; one submission).

Conditions:
Nance-Horan syndrome (NHS). Identifiers: Orphanet 627, MedGen C0796085, MONDO:0010545, OMIM 302350.

Allele frequency attached by ClinVar (database versions not stated): gnomAD exomes below 0.00001; ExAC 0.00001; TOPMed 0.00002.

Submissions (3):

Labcorp Genetics (formerly Invitae), Labcorp
Classification: Uncertain significance for Nance-Horan syndrome. Last evaluated: 2025-10-02. Review status: criteria provided, single submitter. Criteria: Invitae Variant Classification Sherloc (09022015). Collection method: clinical testing. Allele origin: germline.
Comment: This sequence change replaces glycine, which is neutral and non-polar, with serine, which is neutral and polar, at codon 460 of the NHS protein (p.Gly460Ser). This variant is present in population databases (rs769586195, gnomAD 0.008%). This variant has not been reported in the literature in individuals affected with NHS-related conditions. ClinVar contains an entry for this variant (Variation ID: 2891087). Invitae Evidence Modeling of protein sequence and biophysical properties (such as structural, functional, and spatial information, amino acid conservation, physicochemical variation, residue mobility, and thermodynamic stability) indicates that this missense variant is not expected to disrupt NHS protein function with a negative predictive value of 80%. In summary, the available evidence is currently insufficient to determine the role of this variant in disease. Therefore, it has been classified as a Variant of Uncertain Significance.

Dr. Peter K. Rogan Lab, Western University
No classification provided (evidence only). Condition: Thyroid cancer, nonmedullary, 1. Review status: no classification provided. Collection method: in vitro. Allele origin: not applicable. Functional consequence: retained intron. Not counted in ClinVar's aggregate classification.

Dr. Peter K. Rogan Lab, Western University
No classification provided (evidence only). Condition: Thyroid cancer, nonmedullary, 1. Review status: no classification provided. Collection method: in vitro. Allele origin: not applicable. Functional consequence: retained intron. Not counted in ClinVar's aggregate classification.